The following is an entry in ClinVar:

NM_001267550.2(TTN):c.100841G>A (p.Ser33614Asn)

Genes: TTN-AS1 (TTN antisense RNA 1; plus strand), TTN (titin; minus strand). Cytogenetic location: 2q31.2.
Variant type: single nucleotide variant.
Coding change: c.100841G>A on transcript NM_001267550.2 (MANE Select); coding-DNA position 100841, G replaced by A.
Protein change: p.Ser33614Asn; replaces serine 33614 with asparagine.
Molecular consequence: missense variant. On other transcripts: non-coding transcript variant (1).
Genome position (GRCh38, 1-based): chr2:178,535,774, C>T on the plus strand (G>A on the coding strand, the complement: TTN is on the minus strand). VCF-style: chr2-178535774-C-T. GRCh37 (hg19) VCF-style: chr2-179400501-C-T.
Other names: c.95918G>A, p.Ser31973Asn (NM_001256850.1); c.73646G>A, p.Ser24549Asn (NM_003319.4); c.93137G>A, p.Ser31046Asn (NM_133378.4); c.74021G>A, p.Ser24674Asn (NM_133432.3); c.74222G>A, p.Ser24741Asn (NM_133437.4); short protein forms S24549N, S24741N, S31973N, S24674N, S31046N, S33614N.
Identifiers: ClinVar variation 944405 (VCV000944405.8), dbSNP rs879230745, ClinGen allele CA60960371.
Genomic context (GRCh38, chr2:178,535,774, plus strand): 5'-TCTTGTCCTTTCTGCCAGGTGATCACAGGATCTGGTTTGCCACTGAAAGGAATCTTGATG[C>T]TGACCACTTCACCTCGGAGAGCATGAACTGCTCCCATGCCTTCAAGAGTTTTAGGTAAGT-3'
Protein context (NP_001254479.2, residues 33604-33624): AVHALRGEVV[Ser33614Asn]IKIPFSGKPD

ClinVar aggregate classification (germline): Uncertain significance (1 of 4 stars; one submission).

Conditions:
Dilated cardiomyopathy 1G (CMD1G). Identifiers: Orphanet 154, MedGen C1858763, MONDO:0011400, OMIM 604145.
Autosomal recessive limb-girdle muscular dystrophy type 2J (LGMDR10). Also called: MUSCULAR DYSTROPHY, LIMB-GIRDLE, AUTOSOMAL RECESSIVE 10; Limb-girdle muscular dystrophy, type 2J. Identifiers: Orphanet 140922, MedGen C1837342, MONDO:0012127, OMIM 608807.

Allele frequency attached by ClinVar (database versions not stated): gnomAD exomes below 0.00001; gnomAD 0.00001; TOPMed 0.00001.
gnomAD v4.1: 4 of 1,612,836 alleles (0.00025%); highest among the groups gnomAD compares: Non-Finnish European, 0.00034%; no homozygotes.

Submission:

Labcorp Genetics (formerly Invitae), Labcorp
Classification: Uncertain significance for Dilated cardiomyopathy 1G; Autosomal recessive limb-girdle muscular dystrophy type 2J. Last evaluated: 2024-11-05. Review status: criteria provided, single submitter. Criteria: Invitae Variant Classification Sherloc (09022015). Collection method: clinical testing. Allele origin: germline.
Comment: This sequence change replaces serine, which is neutral and polar, with asparagine, which is neutral and polar, at codon 33614 of the TTN protein (p.Ser33614Asn). This variant is not present in population databases (gnomAD no frequency). This variant has not been reported in the literature in individuals affected with TTN-related conditions. ClinVar contains an entry for this variant (Variation ID: 944405). Experimental studies and prediction algorithms are not available or were not evaluated, and the functional significance of this variant is currently unknown. This variant is located in the M band of TTN (PMID: 25589632). Non-truncating variants in this region may be relevant for neuromuscular disorders, but have not been definitively shown to cause cardiomyopathy (PMID: 23975875). In summary, the available evidence is currently insufficient to determine the role of this variant in disease. Therefore, it has been classified as a Variant of Uncertain Significance.

Literature cited by the submitters: PubMed 25589632; PubMed 23975875.